The following is an entry in ClinVar:

ClinVar aggregate classification (germline): Uncertain significance (1 of 4 stars; one submission).

Conditions:
Cardiovascular phenotype. Identifiers: MedGen CN230736.

gnomAD v4.1: 1 of 1,598,846 alleles (0.000063%); highest among the groups gnomAD compares: Admixed American, 0.0017%; no homozygotes.

Submission:

Ambry Genetics
Classification: Uncertain significance for Cardiovascular phenotype. Last evaluated: 2024-11-13. Review status: criteria provided, single submitter. Criteria: Ambry Variant Classification Scheme 2023. Collection method: clinical testing. Allele origin: germline.
Comment: The p.T625I variant (also known as c.1874C>T), located in coding exon 5 of the ALPK3 gene, results from a C to T substitution at nucleotide position 1874. The threonine at codon 625 is replaced by isoleucine, an amino acid with similar properties. This amino acid position is conserved. In addition, this alteration is predicted to be tolerated by in silico analysis. Based on the available evidence, the clinical significance of this variant remains unclear.

NM_020778.5(ALPK3):c.1268C>T (p.Thr423Ile)

Gene: ALPK3 (alpha kinase 3; plus strand). Cytogenetic location: 15q25.3.
Variant type: single nucleotide variant.
Coding change: c.1268C>T on transcript NM_020778.5 (MANE Select); coding-DNA position 1268, C replaced by T.
Protein change: p.Thr423Ile; replaces threonine 423 with isoleucine.
Molecular consequence: missense variant.
Genome position (GRCh38, 1-based): chr15:84,840,547, C>T. VCF-style: chr15-84840547-C-T. GRCh37 (hg19) VCF-style: chr15-85383778-C-T.
Other names: short protein forms T423I.
Identifiers: ClinVar variation 3533495 (VCV003533495.1).